The following is an entry in ClinVar:

ClinVar aggregate classification (germline): Conflicting classifications of pathogenicity. Review status: criteria provided, conflicting classifications (1 of 4 stars). 3 submissions from 3 submitters: Uncertain significance (1); Likely benign (1). 1 of the submissions does not count toward it. Last evaluated 2024-06-07.

Conditions:
KIDINS220-related disorder. Also called: KIDINS220-related condition.

Allele frequency attached by ClinVar (database versions not stated): gnomAD 0.00025; TOPMed 0.00025; ExAC 0.00027; ESP Exome Variant Server 0.00041; gnomAD exomes 0.00067.

Submissions (3):

Labcorp Genetics (formerly Invitae), Labcorp
Classification: Uncertain significance. Last evaluated: 2024-06-07. Review status: criteria provided, single submitter. Criteria: Invitae Variant Classification Sherloc (09022015). Collection method: clinical testing. Allele origin: germline.
Comment: This sequence change replaces valine, which is neutral and non-polar, with isoleucine, which is neutral and non-polar, at codon 120 of the KIDINS220 protein (p.Val120Ile). This variant is present in population databases (rs199682748, gnomAD 0.06%). This variant has not been reported in the literature in individuals affected with KIDINS220-related conditions. ClinVar contains an entry for this variant (Variation ID: 2069114). An algorithm developed to predict the effect of missense changes on protein structure and function (PolyPhen-2) suggests that this variant¬†is likely to be tolerated. In summary, the available evidence is currently insufficient to determine the role of this variant in disease. Therefore, it has been classified as a Variant of Uncertain Significance.

CeGaT Center for Human Genetics Tuebingen
Classification: Likely benign. Last evaluated: 2022-10-01. Review status: criteria provided, single submitter. Criteria: CeGaT Center For Human Genetics Tuebingen Variant Classification Criteria Version 2. Collection method: clinical testing. Allele origin: germline. Affected: yes. Observed: 1 variant allele.
Comment: KIDINS220: BP4

PreventionGenetics, part of Exact Sciences
Classification: Likely benign for KIDINS220-related condition. Last evaluated: 2023-12-19. Review status: no assertion criteria provided. Collection method: clinical testing. Allele origin: germline. Not counted in ClinVar's aggregate classification.
Comment: This variant is classified as likely benign based on ACMG/AMP sequence variant interpretation guidelines (Richards et al. 2015 PMID: 25741868, with internal and published modifications).

NM_020738.4(KIDINS220):c.358G>A (p.Val120Ile)

Gene: KIDINS220 (kinase D interacting substrate 220; minus strand). Cytogenetic location: 2p25.1.
Variant type: single nucleotide variant.
Coding change: c.358G>A on transcript NM_020738.4 (MANE Select); coding-DNA position 358, G replaced by A.
Protein change: p.Val120Ile; replaces valine 120 with isoleucine.
Molecular consequence: missense variant. On other transcripts: non-coding transcript variant (2).
Genome position (GRCh38, 1-based): chr2:8,813,284, C>T on the plus strand (G>A on the coding strand, the complement: KIDINS220 is on the minus strand). VCF-style: chr2-8813284-C-T. GRCh37 (hg19) VCF-style: chr2-8953414-C-T.
Other names: c.358G>A, p.Val120Ile (NM_001348742.2, NM_001348743.2, NM_001348745.2 and 9 more transcripts); c.358G>A (NM_020738.2); c.232G>A, p.Val78Ile (NM_001348736.2); short protein forms V120I, V78I.
Identifiers: ClinVar variation 2069114 (VCV002069114.28), dbSNP rs199682748, ClinGen allele CA1520450.